The following is an entry in ClinVar:

ClinVar aggregate classification (germline): Likely pathogenic (1 of 4 stars; one submission).

Conditions:
Joubert syndrome. Also called: CEREBELLOPARENCHYMAL DISORDER IV; JOUBERT-BOLTSHAUSER SYNDROME; Familial aplasia of the vermis. Identifiers: Orphanet 475, MedGen C5979921, MONDO:0018772.
Meckel-Gruber syndrome. Also called: DYSENCEPHALIA SPLANCHNOCYSTICA; GRUBER SYNDROME; Dysencephalia splachnocystica. Identifiers: Orphanet 564, MedGen C0265215, MONDO:0018921.

Submission:

Labcorp Genetics (formerly Invitae), Labcorp
Classification: Likely pathogenic for Joubert syndrome; Meckel-Gruber syndrome. Last evaluated: 2024-04-14. Review status: criteria provided, single submitter. Criteria: Invitae Variant Classification Sherloc (09022015). Collection method: clinical testing. Allele origin: germline.
Comment: This sequence change replaces arginine, which is basic and polar, with leucine, which is neutral and non-polar, at codon 549 of the TMEM67 protein (p.Arg549Leu). This variant is not present in population databases (gnomAD no frequency). This variant has not been reported in the literature in individuals affected with TMEM67-related conditions. Advanced modeling of protein sequence and biophysical properties (such as structural, functional, and spatial information, amino acid conservation, physicochemical variation, residue mobility, and thermodynamic stability) performed at Invitae indicates that this missense variant is expected to disrupt TMEM67 protein function with a positive predictive value of 95%. This variant disrupts the p.Arg549 amino acid residue in TMEM67. Other variant(s) that disrupt this residue have been determined to be pathogenic (PMID: 21493627, 23351400, 26035863). This suggests that this residue is clinically significant, and that variants that disrupt this residue are likely to be disease-causing. In summary, the currently available evidence indicates that the variant is pathogenic, but additional data are needed to prove that conclusively. Therefore, this variant has been classified as Likely Pathogenic.

Literature cited by the submitters: PubMed 21493627; PubMed 23351400; PubMed 26035863.

NM_153704.6(TMEM67):c.1646G>T (p.Arg549Leu)

Gene: TMEM67 (transmembrane protein 67; plus strand). Cytogenetic location: 8q22.1.
Variant type: single nucleotide variant.
Coding change: c.1646G>T on transcript NM_153704.6 (MANE Select); coding-DNA position 1646, G replaced by T.
Protein change: p.Arg549Leu; replaces arginine 549 with leucine.
Molecular consequence: missense variant. On other transcripts: non-coding transcript variant (1).
Genome position (GRCh38, 1-based): chr8:93,793,268, G>T. VCF-style: chr8-93793268-G-T. GRCh37 (hg19) VCF-style: chr8-94805496-G-T.
Other names: c.1403G>T, p.Arg468Leu (NM_001142301.1); short protein forms R468L, R549L.
Identifiers: ClinVar variation 3754226 (VCV003754226.2).